The following is an entry in ClinVar:

NM_001613.4(ACTA2):c.979A>T (p.Met327Leu)

Genes: ACTA2 (actin alpha 2, smooth muscle; minus strand), ACTA2-AS1 (ACTA2 antisense RNA 1; plus strand). Cytogenetic location: 10q23.31.
Variant type: single nucleotide variant.
Coding change: c.979A>T on transcript NM_001613.4 (MANE Select); coding-DNA position 979, A replaced by T.
Protein change: p.Met327Leu; replaces methionine 327 with leucine.
Molecular consequence: missense variant.
Genome position (GRCh38, 1-based): chr10:88,938,072, T>A on the plus strand (A>T on the coding strand, the complement: ACTA2 is on the minus strand). VCF-style: chr10-88938072-T-A. GRCh37 (hg19) VCF-style: chr10-90697829-T-A.
Other names: c.979A>T, p.Met327Leu (NM_001406463.1, NM_001406464.1, NM_001141945.3 and 2 more transcripts); c.868A>T, p.Met290Leu (NM_001406466.1); c.850A>T, p.Met284Leu (NM_001406467.1, NM_001406468.1, NM_001406469.1); c.787A>T, p.Met263Leu (NM_001406471.1); short protein forms M263L, M284L, M290L, M327L.
Identifiers: ClinVar variation 4635332 (VCV004635332.2).

ClinVar aggregate classification (germline): Uncertain significance. Review status: criteria provided, multiple submitters, no conflicts (2 of 4 stars). 2 submissions from 2 submitters: Uncertain significance (2). Last evaluated 2026-10-21.

Conditions:
Familial thoracic aortic aneurysm and aortic dissection (TAAD). Also called: Thoracic aortic aneurysms and dissections. Identifiers: Orphanet 91387, MedGen C4707243, MONDO:0019625.
Carotid artery disorder. Also called: Carotid artery disease. Identifiers: MedGen C0007273, MeSH D002340, MONDO:0005269.

gnomAD v4.1: 1 of 1,613,968 alleles (0.000062%); highest among the groups gnomAD compares: East Asian, 0.0022%; no homozygotes.

Submissions (2):

Department of Neurosurgery, Chungnam National University Sejong Hospital
Classification: Uncertain significance for Carotid artery disorder. Last evaluated: 2026-10-21. Review status: criteria provided, single submitter. Criteria: ACMG Guidelines, 2015. Collection method: curation. Allele origin: unknown. Inheritance: Autosomal dominant inheritance. Affected: yes. Observed: 1 variant allele, 1 heterozygote.
Comment: Alternative etiologies were excluded, including vasculitis, antiphospholipid syndrome, and RNF213-associated moyamoya disease (RNF213 negative). Imaging showed proximal ICA occlusion/stenosis without basal moyamoya-type collaterals, a progressive bilateral course consistent with that reported in ACTA2 Arg179 carriers. The adjacent variant p.Thr326Asn has been previously associated with ischemic stroke. Family testing could not be performed; segregation and de novo status are unknown. In silico prediction, conservation analysis, and functional studies were not performed. Because segregation data and functional evidence are lacking, the available evidence is insufficient to classify this variant as likely pathogenic or pathogenic under ACMG/AMP 2015 guidelines, and it is reported as a variant of uncertain significance. The phenotype is supportive but not specific, and further cases and functional characterization are needed.

Ambry Genetics
Classification: Uncertain significance for Familial thoracic aortic aneurysm and aortic dissection. Last evaluated: 2025-12-02. Review status: criteria provided, single submitter. Criteria: Ambry Variant Classification Scheme 2023. Collection method: clinical testing. Allele origin: germline.
Comment: The p.M327L variant (also known as c.979A>T), located in coding exon 7 of the ACTA2 gene, results from an A to T substitution at nucleotide position 979. The methionine at codon 327 is replaced by leucine, an amino acid with highly similar properties. This amino acid position is conserved. In addition, the in silico prediction for this alteration is inconclusive. Based on the available evidence, the clinical significance of this variant remains unclear.